The following is an entry in ClinVar:

NM_003000.3(SDHB):c.791C>A (p.Ala264Glu)

Gene: SDHB (succinate dehydrogenase complex iron sulfur subunit B; minus strand). Cytogenetic location: 1p36.13.
Variant type: single nucleotide variant.
Coding change: c.791C>A on transcript NM_003000.3 (MANE Select); coding-DNA position 791, C replaced by A.
Protein change: p.Ala264Glu; replaces alanine 264 with glutamic acid.
Molecular consequence: missense variant.
Genome position (GRCh38, 1-based): chr1:17,018,933, G>T on the plus strand (C>A on the coding strand, the complement: SDHB is on the minus strand). VCF-style: chr1-17018933-G-T. GRCh37 (hg19) VCF-style: chr1-17345428-G-T.
Other names: short protein forms A264E.
Identifiers: ClinVar variation 567410 (VCV000567410.11), dbSNP rs1557738283, ClinGen allele CA338268953.

ClinVar aggregate classification (germline): Uncertain significance. Review status: criteria provided, multiple submitters, no conflicts (2 of 4 stars). 2 submissions from 2 submitters: Uncertain significance (2). Last evaluated 2026-04-02.

Conditions:
Gastrointestinal stromal tumor. Also called: Gastrointestinal stroma tumor; Gastrointestinal stromal tumor, somatic. Identifiers: Orphanet 44890, MedGen C0238198, MeSH D046152, MONDO:0011719, OMIM 606764, HP:0100723.
Pheochromocytoma/paraganglioma syndrome 4. Also called: PARAGANGLIOMA, FAMILIAL MALIGNANT; PARAGANGLIOMAS, HEREDITARY EXTRAADRENAL; PHEOCHROMOCYTOMA, FAMILIAL EXTRAADRENAL; Paragangliomas 4; CAROTID BODY TUMORS AND MULTIPLE EXTRAADRENAL PHEOCHROMOCYTOMAS; SDHB-Related Hereditary Paraganglioma-Pheochromocytoma Syndrome (Paragangliomas 4). Identifiers: Orphanet 29072, MedGen C1861848, MONDO:0007273, OMIM 115310.
Pheochromocytoma. Also called: MAX-Related Hereditary Paraganglioma-Pheochromocytoma Syndrome. Identifiers: Orphanet 29072, MedGen C0031511, MONDO:0008233, OMIM 171300, HP:0002666.
SDHB-related disorder. Also called: SDHB-related condition; SDHB-related disorders. Identifiers: MedGen CN239418.
Hereditary cancer-predisposing syndrome. Also called: Tumor predisposition; Hereditary neoplastic syndrome; Neoplastic Syndromes, Hereditary; Hereditary Cancer Syndrome. Identifiers: Orphanet 140162, MedGen C0027672, MeSH D009386, MONDO:0015356.

Submissions (2):

Ambry Genetics
Classification: Uncertain significance for Hereditary cancer-predisposing syndrome. Last evaluated: 2026-04-02. Review status: criteria provided, single submitter. Criteria: Ambry Variant Classification Scheme 2023. Collection method: clinical testing. Allele origin: germline.
Comment: The p.A264E variant (also known as c.791C>A), located in coding exon 8 of the SDHB gene, results from a C to A substitution at nucleotide position 791. The alanine at codon 264 is replaced by glutamic acid, an amino acid with dissimilar properties. This amino acid position is highly conserved in available vertebrate species. In addition, this alteration is predicted to be deleterious by in silico analysis. Based on the available evidence, the clinical significance of this variant remains unclear.

Labcorp Genetics (formerly Invitae), Labcorp
Classification: Uncertain significance for Gastrointestinal stromal tumor; Pheochromocytoma/paraganglioma syndrome 4; Pheochromocytoma. Last evaluated: 2025-05-04. Review status: criteria provided, single submitter. Criteria: Invitae Variant Classification Sherloc (09022015). Collection method: clinical testing. Allele origin: germline.
Comment: This sequence change replaces alanine, which is neutral and non-polar, with glutamic acid, which is acidic and polar, at codon 264 of the SDHB protein (p.Ala264Glu). This variant is not present in population databases (gnomAD no frequency). This variant has not been reported in the literature in individuals affected with SDHB-related conditions. ClinVar contains an entry for this variant (Variation ID: 567410). Invitae Evidence Modeling of protein sequence and biophysical properties (such as structural, functional, and spatial information, amino acid conservation, physicochemical variation, residue mobility, and thermodynamic stability) indicates that this missense variant is not expected to disrupt SDHB protein function with a negative predictive value of 80%. In summary, the available evidence is currently insufficient to determine the role of this variant in disease. Therefore, it has been classified as a Variant of Uncertain Significance.